The following is an entry in ClinVar:

NM_053025.4(MYLK):c.3484C>T (p.Pro1162Ser)

Gene: MYLK (myosin light chain kinase; minus strand). Cytogenetic location: 3q21.1.
Variant type: single nucleotide variant.
Coding change: c.3484C>T on transcript NM_053025.4 (MANE Select); coding-DNA position 3484, C replaced by T.
Protein change: p.Pro1162Ser; replaces proline 1162 with serine.
Molecular consequence: missense variant.
Genome position (GRCh38, 1-based): chr3:123,692,816, G>A on the plus strand (C>T on the coding strand, the complement: MYLK is on the minus strand). VCF-style: chr3-123692816-G-A. GRCh37 (hg19) VCF-style: chr3-123411663-G-A.
Other names: c.2956C>T, p.Pro986Ser (NM_001321309.2); c.3277C>T, p.Pro1093Ser (NM_053026.4, NM_053028.4); c.3484C>T, p.Pro1162Ser (NM_053027.4); c.3484C>T (NM_053025.3); short protein forms P1093S, P986S, P1162S.
Identifiers: ClinVar variation 2827520 (VCV002827520.4), dbSNP rs781105303, ClinGen allele CA069729.

ClinVar aggregate classification (germline): Uncertain significance. Review status: criteria provided, multiple submitters, no conflicts (2 of 4 stars). 2 submissions from 2 submitters: Uncertain significance (2). Last evaluated 2024-09-22.

Conditions:
Familial thoracic aortic aneurysm and aortic dissection (TAAD). Also called: Thoracic aortic aneurysms and dissections. Identifiers: Orphanet 91387, MedGen C4707243, MONDO:0019625.
Aortic aneurysm, familial thoracic 7 (AAT7). Also called: AORTIC DISSECTION, FAMILIAL, WITH OR WITHOUT AORTIC ANEURYSM. Identifiers: MedGen C3151077, MONDO:0013418, OMIM 613780.

Allele frequency attached by ClinVar (database versions not stated): gnomAD exomes below 0.00001; ExAC 0.00001.
gnomAD v4.1: 3 of 1,614,114 alleles (0.00019%); highest among the groups gnomAD compares: Non-Finnish European, 0.00025%; no homozygotes.

Submissions (2):

Ambry Genetics
Classification: Uncertain significance for Familial thoracic aortic aneurysm and aortic dissection. Last evaluated: 2024-09-22. Review status: criteria provided, single submitter. Criteria: Ambry Variant Classification Scheme 2023. Collection method: clinical testing. Allele origin: germline.
Comment: The p.P1162S variant (also known as c.3484C>T), located in coding exon 16 of the MYLK gene, results from a C to T substitution at nucleotide position 3484. The proline at codon 1162 is replaced by serine, an amino acid with similar properties. This amino acid position is conserved. In addition, this alteration is predicted to be tolerated by in silico analysis. Based on the available evidence, the clinical significance of this variant remains unclear.

Labcorp Genetics (formerly Invitae), Labcorp
Classification: Uncertain significance for Aortic aneurysm, familial thoracic 7. Last evaluated: 2023-03-30. Review status: criteria provided, single submitter. Criteria: Invitae Variant Classification Sherloc (09022015). Collection method: clinical testing. Allele origin: germline.
Comment: This variant is present in population databases (rs781105303, gnomAD 0.0009%). This sequence change replaces proline, which is neutral and non-polar, with serine, which is neutral and polar, at codon 1162 of the MYLK protein (p.Pro1162Ser). This variant has not been reported in the literature in individuals affected with MYLK-related conditions. Advanced modeling of protein sequence and biophysical properties (such as structural, functional, and spatial information, amino acid conservation, physicochemical variation, residue mobility, and thermodynamic stability) has been performed at Invitae for this missense variant, however the output from this modeling did not meet the statistical confidence thresholds required to predict the impact of this variant on MYLK protein function. In summary, the available evidence is currently insufficient to determine the role of this variant in disease. Therefore, it has been classified as a Variant of Uncertain Significance.